The following is an entry in ClinVar:

NM_000540.3(RYR1):c.14714C>G (p.Pro4905Arg)

Gene: RYR1 (ryanodine receptor 1; plus strand). Cytogenetic location: 19q13.2.
Variant type: single nucleotide variant.
Coding change: c.14714C>G on transcript NM_000540.3 (MANE Select); coding-DNA position 14714, C replaced by G.
Protein change: p.Pro4905Arg; replaces proline 4905 with arginine.
Molecular consequence: missense variant.
Genome position (GRCh38, 1-based): chr19:38,585,010, C>G. VCF-style: chr19-38585010-C-G. GRCh37 (hg19) VCF-style: chr19-39075650-C-G.
Other names: c.14699C>G, p.Pro4900Arg (NM_001042723.2); short protein forms P4900R, P4905R.
Identifiers: ClinVar variation 3371964 (VCV003371964.1).

ClinVar aggregate classification (germline): Uncertain significance (1 of 4 stars; one submission).

Submission:

GeneDx
Classification: Uncertain significance. Last evaluated: 2024-04-07. Review status: criteria provided, single submitter. Criteria: GeneDx Variant Classification Process June 2021. Collection method: clinical testing. Allele origin: germline. Affected: yes.
Comment: Not observed at significant frequency in large population cohorts (gnomAD); In silico analysis supports that this missense variant has a deleterious effect on protein structure/function; Has not been previously published as pathogenic or benign to our knowledge; This variant is associated with the following publications: (PMID: 20681998, 33767344)